The following is an entry in ClinVar:

ClinVar aggregate classification (germline): Conflicting classifications of pathogenicity. Review status: criteria provided, conflicting classifications (1 of 4 stars). 2 submissions from 2 submitters: Likely pathogenic (1); Uncertain significance (1). Last evaluated 2024-08-28.

Conditions:
Facioscapulohumeral muscular dystrophy 2 (FSHD2). Also called: MUSCULAR DYSTROPHY, FACIOSCAPULOHUMERAL, TYPE 1B; FACIOSCAPULOHUMERAL MUSCULAR DYSTROPHY 2, DIGENIC; FSHD2, DIGENIC. Identifiers: Orphanet 269, MedGen C1834671, MONDO:0008031, OMIM 158901.

Submissions (2):

Laboratory of Functional Genomics, Research Centre for Medical Genetics
Classification: Likely pathogenic for Facioscapulohumeral muscular dystrophy 2. Last evaluated: 2024-08-28. Review status: criteria provided, single submitter. Criteria: ACMG Guidelines, 2015. Collection method: clinical testing. Allele origin: germline. Affected: yes. Observed: 1 variant allele, 1 heterozygote.
Comment: This variant, NM_015295.3.1436G>A (p.Arg479Gln), is a missense variant located in exon 11 of the SMCHD1 gene and is absent from population databases. The same variant has been previously reported in an individual with FSHD2 carrying a permissive 4qA allele with 23 D4Z4 repeat units and 2% methylation at the FseI site, supporting its association with FSHD2. The identification of the variant in an additional affected individual with a permissive 4qA allele and D4Z4 hypomethylation, together with its absence from population databases and previous association with FSHD2, provides evidence supporting a deleterious effect of the variant and its classification as likely pathogenic.

Labcorp Genetics (formerly Invitae), Labcorp
Classification: Uncertain significance for Facioscapulohumeral muscular dystrophy 2. Last evaluated: 2023-05-23. Review status: criteria provided, single submitter. Criteria: Invitae Variant Classification Sherloc (09022015). Collection method: clinical testing. Allele origin: germline.
Comment: In summary, the available evidence is currently insufficient to determine the role of this variant in disease. Therefore, it has been classified as a Variant of Uncertain Significance. This variant disrupts the p.Arg479 amino acid residue in SMCHD1. Other variant(s) that disrupt this residue have been observed in individuals with SMCHD1-related conditions (PMID: 31243061), which suggests that this may be a clinically significant amino acid residue. Advanced modeling of protein sequence and biophysical properties (such as structural, functional, and spatial information, amino acid conservation, physicochemical variation, residue mobility, and thermodynamic stability) performed at Invitae indicates that this missense variant is expected to disrupt SMCHD1 protein function. This missense change has been observed in individual(s) with facioscapulohumeral muscular dystrophy 2 (PMID: 31243061). This variant is not present in population databases (gnomAD no frequency). This sequence change replaces arginine, which is basic and polar, with glutamine, which is neutral and polar, at codon 479 of the SMCHD1 protein (p.Arg479Gln).

Literature cited by the submitters: PubMed 31243061 (cited by Labcorp Genetics (formerly Invitae), Labcorp).

NM_015295.3(SMCHD1):c.1436G>A (p.Arg479Gln)

Gene: SMCHD1 (structural maintenance of chromosomes flexible hinge domain containing 1; plus strand). Cytogenetic location: 18p11.32.
Variant type: single nucleotide variant.
Coding change: c.1436G>A on transcript NM_015295.3 (MANE Select); coding-DNA position 1436, G replaced by A.
Protein change: p.Arg479Gln; replaces arginine 479 with glutamine.
Molecular consequence: missense variant.
Genome position (GRCh38, 1-based): chr18:2,700,632, G>A. VCF-style: chr18-2700632-G-A. GRCh37 (hg19) VCF-style: chr18-2700630-G-A.
Other names: NP_056110.2:p.(Arg479Gln); short protein forms R479Q.
Identifiers: ClinVar variation 2972877 (VCV002972877.4), dbSNP rs2510027320, ClinGen allele CA401699211.